The following is an entry in ClinVar:

ClinVar aggregate classification (germline): Likely benign (1 of 4 stars; one submission).

Conditions:
KMT2D-related disorder. Also called: KMT2D-Related Disorders.

Submission:

PreventionGenetics, part of Exact Sciences
Classification: Likely benign for KMT2D-related condition. Last evaluated: 2025-11-24. Review status: criteria provided, single submitter. Criteria: ACMG Guidelines, 2015. Collection method: clinical testing. Allele origin: germline.
Comment: This variant is classified as likely benign based on ACMG/AMP sequence variant interpretation guidelines (Richards et al. 2015 PMID: 25741868, with internal and published modifications).

NM_003482.4(KMT2D):c.2254C>T (p.Leu752=)

Gene: KMT2D (lysine methyltransferase 2D; minus strand). Cytogenetic location: 12q13.12.
Variant type: single nucleotide variant.
Coding change: c.2254C>T on transcript NM_003482.4 (MANE Select); coding-DNA position 2254, C replaced by T.
Protein change: p.Leu752=; no amino-acid change (leucine 752 retained).
Molecular consequence: synonymous variant.
Genome position (GRCh38, 1-based): chr12:49,051,429, G>A on the plus strand (C>T on the coding strand, the complement: KMT2D is on the minus strand). VCF-style: chr12-49051429-G-A. GRCh37 (hg19) VCF-style: chr12-49445212-G-A.
Identifiers: ClinVar variation 4980283 (VCV004980283.1).